The following is an entry in ClinVar:

NM_001042492.3(NF1):c.3758_3761dup (p.Gln1255fs)

Gene: NF1 (neurofibromin 1; plus strand). Cytogenetic location: 17q11.2.
Variant type: Duplication.
Coding change: c.3758_3761dup on transcript NM_001042492.3 (MANE Select); coding-DNA positions 3758 to 3761, 4 bases duplicated (TCTA; older notation c.3758_3761dupTCTA).
Protein change: p.Gln1255fs; shifts the reading frame from glutamine 1255.
Molecular consequence: frameshift variant.
Genome position (GRCh38, 1-based): chr17:31,235,660-31,235,663, TCTA duplicated. VCF-style (leftmost placement, unchanged base first): chr17-31235659-C-CTCTA. GRCh37 (hg19) VCF-style: chr17-29562677-C-CTCTA.
Other names: c.3758_3761dup, p.Gln1255Leufs (NM_000267.4); short protein forms Q1255fs.
Identifiers: ClinVar variation 3653958 (VCV003653958.2).

ClinVar aggregate classification (germline): Pathogenic (1 of 4 stars; one submission).

Conditions:
Neurofibromatosis, type 1 (NF1). Also called: Peripheral type neurofibromatosis; VON RECKLINGHAUSEN DISEASE; NEUROFIBROMATOSIS, TYPE I, SOMATIC; Neurofibromatosis, type I. Identifiers: Orphanet 636, MedGen C0027831, MONDO:0018975, OMIM 162200. Disease mechanism: loss of function.

Submission:

Labcorp Genetics (formerly Invitae), Labcorp
Classification: Pathogenic for Neurofibromatosis, type 1. Last evaluated: 2024-05-21. Review status: criteria provided, single submitter. Criteria: Invitae Variant Classification Sherloc (09022015). Collection method: clinical testing. Allele origin: germline.
Comment: This sequence change creates a premature translational stop signal (p.Gln1255Leufs*10) in the NF1 gene. It is expected to result in an absent or disrupted protein product. Loss-of-function variants in NF1 are known to be pathogenic (PMID: 10712197, 23913538). This variant is not present in population databases (gnomAD no frequency). This variant has not been reported in the literature in individuals affected with NF1-related conditions. For these reasons, this variant has been classified as Pathogenic.

Literature cited by the submitters: PubMed 10712197; PubMed 23913538.